The following is an entry in ClinVar:

NM_173630.4(RTTN):c.5186-4A>G

Gene: RTTN (rotatin; minus strand). Cytogenetic location: 18q22.2.
Variant type: single nucleotide variant.
Coding change: c.5186-4A>G on transcript NM_173630.4 (MANE Select); 4 bases into the intron before coding-DNA position 5186, A replaced by G.
Molecular consequence: intron variant.
Genome position (GRCh38, 1-based): chr18:70,051,552, T>C on the plus strand (A>G on the coding strand, the complement: RTTN is on the minus strand). VCF-style: chr18-70051552-T-C. GRCh37 (hg19) VCF-style: chr18-67718788-T-C.
Other names: c.2450-4A>G (NM_001318520.2).
Identifiers: ClinVar variation 130187 (VCV000130187.20), dbSNP rs28599773, ClinGen allele CA155017.

ClinVar aggregate classification (germline): Benign. Review status: criteria provided, multiple submitters, no conflicts (2 of 4 stars). 6 submissions from 6 submitters: Benign (4). 2 of the submissions do not count toward it. Last evaluated 2026-01-26.

Conditions:
RTTN-related disorder. Also called: RTTN-related condition.

Allele frequency attached by ClinVar (database versions not stated): ESP Exome Variant Server 0.01972; 1000 Genomes Project 0.02157; TOPMed 0.02398.
gnomAD v4.1: 6,224 of 1,586,070 alleles (0.39%); highest among the groups gnomAD compares: African/African-American, 7.4%; 221 homozygotes.

Submissions (6):

Labcorp Genetics (formerly Invitae), Labcorp
Classification: Benign. Last evaluated: 2026-01-26. Review status: criteria provided, single submitter. Criteria: Invitae Variant Classification Sherloc (09022015). Collection method: clinical testing. Allele origin: germline.

Dasa
Classification: Benign. Last evaluated: 2025-11-19. Review status: criteria provided, single submitter. Criteria: DASA Assertion Criteria. Collection method: clinical testing. Allele origin: germline.
Comment: NM_173630.4(RTTN):c.5186-4A>G is interpreted as benign based on a combination of available evidence, which may include population frequency, observations in unaffected individuals, intact protein function, lack of segregation with disease, in silico models, amino acid conservation, lack of disease association in case-control studies, and/or inconsistency with the known disease mechanism or impacted region. Based on the available data, this variant is classified as benign.

GeneDx
Classification: Benign. Last evaluated: 2016-10-25. Review status: criteria provided, single submitter. Criteria: GeneDx Variant Classification (06012015). Collection method: clinical testing. Allele origin: germline. Affected: yes.
Comment: This variant is considered likely benign or benign based on one or more of the following criteria: it is a conservative change, it occurs at a poorly conserved position in the protein, it is predicted to be benign by multiple in silico algorithms, and/or has population frequency not consistent with disease.

Breakthrough Genomics
Classification: Benign. Review status: criteria provided, single submitter. Criteria: ACMG Guidelines, 2015. Collection method: not provided. Allele origin: germline. Inheritance: Autosomal recessive inheritance. Affected: yes.

PreventionGenetics, part of Exact Sciences
Classification: Benign for RTTN-related condition. Last evaluated: 2019-06-26. Review status: no assertion criteria provided. Collection method: clinical testing. Allele origin: germline. Not counted in ClinVar's aggregate classification.
Comment: This variant is classified as benign based on ACMG/AMP sequence variant interpretation guidelines (Richards et al. 2015 PMID: 25741868, with internal and published modifications).

Genetic Services Laboratory, University of Chicago
Classification: Likely benign for AllHighlyPenetrant. Review status: no assertion criteria provided. Collection method: clinical testing. Allele origin: germline. Inheritance: Autosomal recessive inheritance. Not counted in ClinVar's aggregate classification.
Comment: Likely benign based on allele frequency in 1000 Genomes Project or ESP global frequency and its presence in a patient with a rare or unrelated disease phenotype. NOT Sanger confirmed.